The following is an entry in ClinVar:

NM_014804.3(KIAA0753):c.2331C>T (p.Ile777=)

Gene: KIAA0753 (KIAA0753; minus strand). Cytogenetic location: 17p13.1.
Variant type: single nucleotide variant.
Coding change: c.2331C>T on transcript NM_014804.3 (MANE Select); coding-DNA position 2331, C replaced by T.
Protein change: p.Ile777=; no amino-acid change (isoleucine 777 retained).
Molecular consequence: synonymous variant. On other transcripts: non-coding transcript variant (3).
Genome position (GRCh38, 1-based): chr17:6,596,185, G>A on the plus strand (C>T on the coding strand, the complement: KIAA0753 is on the minus strand). VCF-style: chr17-6596185-G-A. GRCh37 (hg19) VCF-style: chr17-6499505-G-A.
Other names: c.1434C>T, p.Ile478= (NM_001351225.2).
Identifiers: ClinVar variation 749589 (VCV000749589.10), dbSNP rs374396279, ClinGen allele CA8330195.
Genomic context (GRCh38, chr17:6,596,185, plus strand): 5'-GCAGCGAACCAGACCCGGAGCCCCAGACCTTACTTCCATCTCTTCCATTCGGCGCATCAT[G>A]ATCTCCAGATCTGGGCTATCCTTGCTGTCCTCAACGGTGGCTAAGGTTTCAGACCCCAAG-3'
Protein context (NP_055619.2, residues 767-787): EDSKDSPDLE[Ile777=]MMRRMEEMEK

ClinVar aggregate classification (germline): Benign/Likely benign. Review status: criteria provided, multiple submitters, no conflicts (2 of 4 stars). 3 submissions from 3 submitters: Benign (1); Likely benign (2). Last evaluated 2026-08-01.

Allele frequency attached by ClinVar (database versions not stated): 1000 Genomes Project 30x 0.00141; 1000 Genomes Project 0.00160.
gnomAD v4.1: 507 of 1,613,864 alleles (0.031%); highest among the groups gnomAD compares: South Asian, 0.53%; 7 homozygotes.

Submissions (3):

CeGaT Center for Human Genetics Tuebingen
Classification: Likely benign. Last evaluated: 2026-08-01. Review status: criteria provided, single submitter. Criteria: CeGaT Center For Human Genetics Tuebingen Variant Classification Criteria Version 2. Collection method: clinical testing. Allele origin: germline. Affected: yes. Observed: 1 variant allele.
Comment: KIAA0753: BP4, BP7

Blueprint Genetics
Classification: Likely benign. Last evaluated: 2024-10-09. Review status: criteria provided, single submitter. Criteria: ACMG Guidelines, 2015. Collection method: clinical testing. Allele origin: germline.

Labcorp Genetics (formerly Invitae), Labcorp
Classification: Benign. Last evaluated: 2023-10-04. Review status: criteria provided, single submitter. Criteria: Invitae Variant Classification Sherloc (09022015). Collection method: clinical testing. Allele origin: germline.